The following is an entry in ClinVar:

NM_000179.3(MSH6):c.261-19T>C

Gene: MSH6 (mutS homolog 6; plus strand). Cytogenetic location: 2p16.3.
Variant type: single nucleotide variant.
Coding change: c.261-19T>C on transcript NM_000179.3 (MANE Select); 19 bases into the intron before coding-DNA position 261, T replaced by C.
Molecular consequence: intron variant. On other transcripts: 5 prime UTR variant (1).
Genome position (GRCh38, 1-based): chr2:47,790,908, T>C. VCF-style: chr2-47790908-T-C. GRCh37 (hg19) VCF-style: chr2-48018047-T-C.
Other names: c.-56T>C (NM_001406830.1); c.261-19T>C (NM_001406809.1, NM_001406796.1, NM_001406813.1 and 6 more transcripts); c.-476-19T>C (NM_001406811.1, NM_001281493.2, NM_001406829.1 and 1 more transcripts); c.-37-19T>C (NM_001406805.1, NM_001406797.1, NM_001406801.1 and 9 more transcripts); c.357-19T>C (NM_001406795.1, NM_001406802.1); c.-668-19T>C (NM_001406807.1); c.-734-19T>C (NM_001406814.1); c.-323-19T>C (NM_001406812.1); and 7 more.
Identifiers: ClinVar variation 2821972 (VCV002821972.4), dbSNP rs2104097225, ClinGen allele CA2658965727.
Genomic context (GRCh38, chr2:47,790,908, plus strand): 5'-ATTGTTTATTTGTAGGTAACTGCCTTTAAGGAAACTTGACCAAATATTAACTAAGTTATG[T>C]ATTTCCTTTTGGCAACAGTTGTGACTTCTCACCAGGAGATTTGGTTTGGGCCAAGATGGA-3'

ClinVar aggregate classification (germline): Likely benign. Review status: criteria provided, multiple submitters, no conflicts (2 of 4 stars). 2 submissions from 2 submitters: Likely benign (2). Last evaluated 2025-06-10.

Conditions:
Hereditary nonpolyposis colorectal neoplasms. Identifiers: MedGen C0009405, MeSH D003123.
Lynch syndrome 5 (LYNCH5). Also called: Colorectal cancer, hereditary nonpolyposis, type 5; Hereditary non-polyposis colorectal cancer, type 5. Identifiers: Orphanet 144, MedGen C1833477, MONDO:0013710, OMIM 614350. Disease mechanism: loss of function.

Allele frequency attached by ClinVar (database versions not stated): gnomAD exomes below 0.00001.
gnomAD v4.1: 1 of 1,612,526 alleles (0.000062%); highest among the groups gnomAD compares: Non-Finnish European, 0.000085%; no homozygotes.

Submissions (2):

Labcorp Genetics (formerly Invitae), Labcorp
Classification: Likely benign for Hereditary nonpolyposis colorectal neoplasms. Last evaluated: 2025-06-10. Review status: criteria provided, single submitter. Criteria: Invitae Variant Classification Sherloc (09022015). Collection method: clinical testing. Allele origin: germline.

Myriad Genetics, Inc.
Classification: Likely benign for Lynch syndrome 5. Last evaluated: 2024-12-17. Review status: criteria provided, single submitter. Criteria: Myriad Autosomal Dominant, Autosomal Recessive and X-Linked Classification Criteria (2023). Collection method: clinical testing. Allele origin: unknown.
Comment: This variant is considered likely benign. This variant is intronic and is not expected to impact mRNA splicing.